The following is an entry in ClinVar:

ClinVar aggregate classification (germline): Uncertain significance. Review status: criteria provided, multiple submitters, no conflicts (2 of 4 stars). 2 submissions from 2 submitters: Uncertain significance (2). Last evaluated 2022-11-26.

Allele frequency attached by ClinVar (database versions not stated): TOPMed 0.00001.

Submissions (2):

Labcorp Genetics (formerly Invitae), Labcorp
Classification: Uncertain significance. Last evaluated: 2022-11-26. Review status: criteria provided, single submitter. Criteria: Invitae Variant Classification Sherloc (09022015). Collection method: clinical testing. Allele origin: germline.
Comment: This variant is not present in population databases (gnomAD no frequency). This sequence change replaces proline, which is neutral and non-polar, with arginine, which is basic and polar, at codon 852 of the KAT6A protein (p.Pro852Arg). This variant has not been reported in the literature in individuals affected with KAT6A-related conditions. In summary, the available evidence is currently insufficient to determine the role of this variant in disease. Therefore, it has been classified as a Variant of Uncertain Significance. Advanced modeling of protein sequence and biophysical properties (such as structural, functional, and spatial information, amino acid conservation, physicochemical variation, residue mobility, and thermodynamic stability) performed at Invitae indicates that this missense variant is not expected to disrupt KAT6A protein function.

Blueprint Genetics
Classification: Uncertain significance. Last evaluated: 2021-01-18. Review status: criteria provided, single submitter. Criteria: ACMG Guidelines, 2015. Collection method: clinical testing. Allele origin: germline.

NM_006766.5(KAT6A):c.2555C>G (p.Pro852Arg)

Gene: KAT6A (lysine acetyltransferase 6A; minus strand). Cytogenetic location: 8p11.21.
Variant type: single nucleotide variant.
Coding change: c.2555C>G on transcript NM_006766.5 (MANE Select); coding-DNA position 2555, C replaced by G.
Protein change: p.Pro852Arg; replaces proline 852 with arginine.
Molecular consequence: missense variant.
Genome position (GRCh38, 1-based): chr8:41,941,326, G>C on the plus strand (C>G on the coding strand, the complement: KAT6A is on the minus strand). VCF-style: chr8-41941326-G-C. GRCh37 (hg19) VCF-style: chr8-41798844-G-C.
Other names: short protein forms P852R.
Identifiers: ClinVar variation 1933434 (VCV001933434.6), dbSNP rs1822119085, ClinGen allele CA371072168.